The following is an entry in ClinVar:

NM_138927.4(SON):c.4779A>G (p.Leu1593=)

Gene: SON (SON DNA and RNA binding protein; plus strand). Cytogenetic location: 21q22.11.
Variant type: single nucleotide variant.
Coding change: c.4779A>G on transcript NM_138927.4 (MANE Select); coding-DNA position 4779, A replaced by G.
Protein change: p.Leu1593=; no amino-acid change (leucine 1593 retained).
Molecular consequence: synonymous variant. On other transcripts: non-coding transcript variant (1), intron variant (1).
Genome position (GRCh38, 1-based): chr21:33,554,010, A>G. VCF-style: chr21-33554010-A-G. GRCh37 (hg19) VCF-style: chr21-34926316-A-G.
Other names: c.4779A>G, p.Leu1593= (NM_001291411.2, NM_032195.3); c.245-3146A>G (NM_001291412.3).
Identifiers: ClinVar variation 3673982 (VCV003673982.4).

ClinVar aggregate classification (germline): Likely benign. Review status: criteria provided, multiple submitters, no conflicts (2 of 4 stars). 2 submissions from 2 submitters: Likely benign (2). Last evaluated 2026-04-01.

gnomAD v4.1: 7 of 1,614,020 alleles (0.00043%); highest among the groups gnomAD compares: Admixed American, 0.0033%; no homozygotes.

Submissions (2):

CeGaT Center for Human Genetics Tuebingen
Classification: Likely benign. Last evaluated: 2026-04-01. Review status: criteria provided, single submitter. Criteria: CeGaT Center For Human Genetics Tuebingen Variant Classification Criteria Version 2. Collection method: clinical testing. Allele origin: germline. Affected: yes. Observed: 1 variant allele.
Comment: SON: BP4, BP7

Labcorp Genetics (formerly Invitae), Labcorp
Classification: Likely benign. Last evaluated: 2026-01-05. Review status: criteria provided, single submitter. Criteria: Invitae Variant Classification Sherloc (09022015). Collection method: clinical testing. Allele origin: germline.